The following is an entry in ClinVar:

NM_001963.6(EGF):c.*1283C>T

Gene: EGF (epidermal growth factor; plus strand). Cytogenetic location: 4q25.
Variant type: single nucleotide variant.
Coding change: c.*1283C>T on transcript NM_001963.6 (MANE Select); 1283 bases downstream of the stop codon, C replaced by T.
Molecular consequence: 3 prime UTR variant.
Genome position (GRCh38, 1-based): chr4:110,012,738, C>T. VCF-style: chr4-110012738-C-T. GRCh37 (hg19) VCF-style: chr4-110933894-C-T.
Other names: c.*1283C>T (NM_001178130.3, NM_001178131.3); c.*1426C>T (NM_001357021.2).
Identifiers: ClinVar variation 347286 (VCV000347286.5), dbSNP rs193265825, ClinGen allele CA10619917.
Genomic context (GRCh38, chr4:110,012,738, plus strand): 5'-TTAGATTATAGGCATTAGCCATGGTGCCCAGCCTTGTAACTTTTAAAAAAATTTTTTAAT[C>T]TACAACTCTGTAGATTAAAATTTCACATGGTGTTCTAATTAAATATTTTTCTTGCAGCCA-3'

ClinVar aggregate classification (germline): Likely benign (1 of 4 stars; one submission).

Conditions:
Renal hypomagnesemia 4. Also called: HYPOMAGNESEMIA, RENAL, NORMOCALCIURIC. Identifiers: Orphanet 34527, MedGen C2673648, MONDO:0012717, OMIM 611718.

Allele frequency attached by ClinVar (database versions not stated): gnomAD 0.00041; TOPMed 0.00041; 1000 Genomes Project 30x 0.00094; 1000 Genomes Project 0.00180.
gnomAD v4.1: 29 of 152,262 alleles (0.019%); highest among the groups gnomAD compares: East Asian, 0.56%; no homozygotes.

Submission:

Illumina Laboratory Services, Illumina
Classification: Likely benign for Renal hypomagnesemia 4. Last evaluated: 2018-01-13. Review status: criteria provided, single submitter. Criteria: ICSL Variant Classification Criteria 13 December 2019. Collection method: clinical testing. Allele origin: germline.
Comment: This variant was observed in the ICSL laboratory as part of a predisposition screen in an ostensibly healthy population. It had not been previously curated by ICSL or reported in the Human Gene Mutation Database (HGMD: prior to June 1st, 2018), and was therefore a candidate for classification through an automated scoring system. Utilizing variant allele frequency, disease prevalence and penetrance estimates, and inheritance mode, an automated score was calculated to assess if this variant is too frequent to cause the disease. Based on the score and internal cut-off values, a variant classified as likely benign is not then subjected to further curation. The score for this variant resulted in a classification of likely benign for this disease.